The following is an entry in ClinVar:

ClinVar aggregate classification (germline): Uncertain significance (1 of 4 stars; one submission).

Allele frequency attached by ClinVar (database versions not stated): ExAC 0.00001; TOPMed 0.00002; gnomAD 0.00003; gnomAD exomes 0.00004.
gnomAD v4.1: 57 of 1,612,688 alleles (0.0035%); highest among the groups gnomAD compares: Non-Finnish European, 0.0045%; no homozygotes.

Submission:

Labcorp Genetics (formerly Invitae), Labcorp
Classification: Uncertain significance. Last evaluated: 2023-07-14. Review status: criteria provided, single submitter. Criteria: Invitae Variant Classification Sherloc (09022015). Collection method: clinical testing. Allele origin: germline.
Comment: An algorithm developed to predict the effect of missense changes on protein structure and function (PolyPhen-2) suggests that this variant is likely to be disruptive. In summary, the available evidence is currently insufficient to determine the role of this variant in disease. Therefore, it has been classified as a Variant of Uncertain Significance. This variant has not been reported in the literature in individuals affected with NSMF-related conditions. This variant is present in population databases (rs764598929, gnomAD 0.004%). This sequence change replaces glutamic acid, which is acidic and polar, with aspartic acid, which is acidic and polar, at codon 242 of the NSMF protein (p.Glu242Asp).

NM_001130969.3(NSMF):c.732G>C (p.Glu244Asp)

Gene: NSMF (NMDA receptor synaptonuclear signaling and neuronal migration factor; minus strand). Cytogenetic location: 9q34.3.
Variant type: single nucleotide variant.
Coding change: c.732G>C on transcript NM_001130969.3 (MANE Select); coding-DNA position 732, G replaced by C.
Protein change: p.Glu244Asp; replaces glutamic acid 244 with aspartic acid.
Molecular consequence: missense variant. On other transcripts: intron variant (2).
Genome position (GRCh38, 1-based): chr9:137,455,286, C>G on the plus strand (G>C on the coding strand, the complement: NSMF is on the minus strand). VCF-style: chr9-137455286-C-G. GRCh37 (hg19) VCF-style: chr9-140349738-C-G.
Other names: c.732G>C, p.Glu244Asp (NM_001178064.2); c.726G>C, p.Glu242Asp (NM_015537.5, NM_182780.1); c.705-843G>C (NM_001130971.2); c.710+343G>C (NM_001130970.2); short protein forms E242D, E244D.
Identifiers: ClinVar variation 2961956 (VCV002961956.3), dbSNP rs764598929, ClinGen allele CA5370417.